The following is an entry in ClinVar:

ClinVar aggregate classification (germline): Benign (1 of 4 stars; one submission).

Allele frequency attached by ClinVar (database versions not stated): TOPMed 0.00006; gnomAD 0.00009; gnomAD exomes 0.00016; 1000 Genomes Project 0.00020; ExAC 0.00023; 1000 Genomes Project 30x 0.00031.
gnomAD v4.1: 242 of 1,613,520 alleles (0.015%); highest among the groups gnomAD compares: South Asian, 0.14%; 1 homozygote.

Submission:

CeGaT Center for Human Genetics Tuebingen
Classification: Benign. Last evaluated: 2022-07-01. Review status: criteria provided, single submitter. Criteria: CeGaT Center For Human Genetics Tuebingen Variant Classification Criteria Version 2. Collection method: clinical testing. Allele origin: germline. Affected: yes. Observed: 1 variant allele.
Comment: WDFY3: BS1, BS2

NM_014991.6(WDFY3):c.3693A>G (p.Pro1231=)

Gene: WDFY3 (WD repeat and FYVE domain containing 3; minus strand). Cytogenetic location: 4q21.23.
Variant type: single nucleotide variant.
Coding change: c.3693A>G on transcript NM_014991.6 (MANE Select); coding-DNA position 3693, A replaced by G.
Protein change: p.Pro1231=; no amino-acid change (proline 1231 retained).
Molecular consequence: synonymous variant.
Genome position (GRCh38, 1-based): chr4:84,787,690, T>C on the plus strand (A>G on the coding strand, the complement: WDFY3 is on the minus strand). VCF-style: chr4-84787690-T-C. GRCh37 (hg19) VCF-style: chr4-85708843-T-C.
Identifiers: ClinVar variation 2654874 (VCV002654874.24), dbSNP rs200191206, ClinGen allele CA2993435.